The following is an entry in ClinVar:

NM_012275.3(IL36RN):c.184C>T (p.Gln62Ter)

Gene: IL36RN (interleukin 36 receptor antagonist; plus strand). Cytogenetic location: 2q14.1.
Variant type: single nucleotide variant.
Coding change: c.184C>T on transcript NM_012275.3 (MANE Select); coding-DNA position 184, C replaced by T.
Protein change: p.Gln62Ter; replaces glutamine 62 with a stop codon.
Molecular consequence: nonsense.
Genome position (GRCh38, 1-based): chr2:113,062,192, C>T. VCF-style: chr2-113062192-C-T. GRCh37 (hg19) VCF-style: chr2-113819769-C-T.
Other names: c.184C>T, p.Gln62Ter (NM_173170.1); short protein forms Q62*.
Identifiers: ClinVar variation 2779032 (VCV002779032.3), dbSNP rs2466805738, ClinGen allele CA348290066.
Genomic context (GRCh38, chr2:113,062,192, plus strand): 5'-ATCAGCGTGGTCCCCAATCGGTGGCTGGATGCCAGCCTGTCCCCCGTCATCCTGGGTGTC[C>T]AGGGTGGAAGCCAGTGCCTGTCATGTGGGGTGGGGCAGGAGCCGACTCTAACACTAGAGG-3'

ClinVar aggregate classification (germline): Pathogenic (1 of 4 stars; one submission).

Conditions:
Generalized pustular psoriasis. Identifiers: Orphanet 247353, MedGen C0343055, MONDO:0100491.

Allele frequency attached by ClinVar (database versions not stated): gnomAD exomes below 0.00001.

Submission:

Labcorp Genetics (formerly Invitae), Labcorp
Classification: Pathogenic for Generalized pustular psoriasis. Last evaluated: 2024-11-05. Review status: criteria provided, single submitter. Criteria: Invitae Variant Classification Sherloc (09022015). Collection method: clinical testing. Allele origin: germline.
Comment: This sequence change creates a premature translational stop signal (p.Gln62*) in the IL36RN gene. It is expected to result in an absent or disrupted protein product. Loss-of-function variants in IL36RN are known to be pathogenic (PMID: 23698098). This variant is not present in population databases (gnomAD no frequency). This variant has not been reported in the literature in individuals affected with IL36RN-related conditions. ClinVar contains an entry for this variant (Variation ID: 2779032). Algorithms developed to predict the effect of sequence changes on RNA splicing suggest that this variant may disrupt the consensus splice site. For these reasons, this variant has been classified as Pathogenic.

Literature cited by the submitters: PubMed 23698098.